The following is an entry in ClinVar:

ClinVar aggregate classification (germline): Uncertain significance (1 of 4 stars; one submission).

Conditions:
Pierson syndrome. Also called: MICROCORIA-CONGENITAL NEPHROTIC SYNDROME. Identifiers: Orphanet 2670, MedGen C1836876, MONDO:0012184, OMIM 609049.
LAMB2-related infantile-onset nephrotic syndrome. Also called: NEPHROTIC SYNDROME, TYPE 5, WITHOUT OCULAR ABNORMALITIES; NEPHROTIC SYNDROME, TYPE 5, WITH OCULAR ABNORMALITIES; Nephrotic Syndrome, type 5. Identifiers: Orphanet 306507, MedGen C3280113, MONDO:0013621, OMIM 614199.

Submission:

Labcorp Genetics (formerly Invitae), Labcorp
Classification: Uncertain significance for LAMB2-related infantile-onset nephrotic syndrome; Pierson syndrome. Last evaluated: 2022-01-15. Review status: criteria provided, single submitter. Criteria: Invitae Variant Classification Sherloc (09022015). Collection method: clinical testing. Allele origin: germline.
Comment: This sequence change replaces glycine, which is neutral and non-polar, with valine, which is neutral and non-polar, at codon 827 of the LAMB2 protein (p.Gly827Val). In summary, the available evidence is currently insufficient to determine the role of this variant in disease. Therefore, it has been classified as a Variant of Uncertain Significance. Algorithms developed to predict the effect of missense changes on protein structure and function (SIFT, PolyPhen-2, Align-GVGD) all suggest that this variant is likely to be disruptive. This variant has not been reported in the literature in individuals affected with LAMB2-related conditions. This variant is not present in population databases (gnomAD no frequency).

NM_002292.4(LAMB2):c.2480G>T (p.Gly827Val)

Gene: LAMB2 (laminin subunit beta 2; minus strand). Cytogenetic location: 3p21.31.
Variant type: single nucleotide variant.
Coding change: c.2480G>T on transcript NM_002292.4 (MANE Select); coding-DNA position 2480, G replaced by T.
Protein change: p.Gly827Val; replaces glycine 827 with valine.
Molecular consequence: missense variant.
Genome position (GRCh38, 1-based): chr3:49,125,755, C>A on the plus strand (G>T on the coding strand, the complement: LAMB2 is on the minus strand). VCF-style: chr3-49125755-C-A. GRCh37 (hg19) VCF-style: chr3-49163188-C-A.
Other names: short protein forms G827V.
Identifiers: ClinVar variation 2083672 (VCV002083672.4), dbSNP rs774709354, ClinGen allele CA352721278.